The following is an entry in ClinVar:

ClinVar aggregate classification (germline): Uncertain significance (1 of 4 stars; one submission).

Conditions:
Torsion dystonia 6 (DYT6). Also called: DYT-THAP1. Identifiers: Orphanet 98806, MedGen C1414216, MONDO:0011264, OMIM 602629.

gnomAD v4.1: 4 of 1,613,986 alleles (0.00025%); highest among the groups gnomAD compares: Non-Finnish European, 0.00034%; no homozygotes.

Submission:

Labcorp Genetics (formerly Invitae), Labcorp
Classification: Uncertain significance for Torsion dystonia 6. Last evaluated: 2023-08-28. Review status: criteria provided, single submitter. Criteria: Invitae Variant Classification Sherloc (09022015). Collection method: clinical testing. Allele origin: germline.
Comment: In summary, the available evidence is currently insufficient to determine the role of this variant in disease. Therefore, it has been classified as a Variant of Uncertain Significance. An algorithm developed to predict the effect of missense changes on protein structure and function (PolyPhen-2) suggests that this variant is likely to be tolerated. This variant has not been reported in the literature in individuals affected with THAP1-related conditions. This variant is not present in population databases (gnomAD no frequency). This sequence change replaces leucine, which is neutral and non-polar, with isoleucine, which is neutral and non-polar, at codon 32 of the THAP1 protein (p.Leu32Ile).

NM_018105.3(THAP1):c.94C>A (p.Leu32Ile)

Gene: THAP1 (THAP domain containing 1; minus strand). Cytogenetic location: 8p11.21.
Variant type: single nucleotide variant.
Coding change: c.94C>A on transcript NM_018105.3 (MANE Select); coding-DNA position 94, C replaced by A.
Protein change: p.Leu32Ile; replaces leucine 32 with isoleucine.
Molecular consequence: missense variant. On other transcripts: intron variant (1).
Genome position (GRCh38, 1-based): chr8:42,839,359, G>T on the plus strand (C>A on the coding strand, the complement: THAP1 is on the minus strand). VCF-style: chr8-42839359-G-T. GRCh37 (hg19) VCF-style: chr8-42694502-G-T.
Other names: c.72-1023C>A (NM_199003.2); short protein forms L32I.
Identifiers: ClinVar variation 2912122 (VCV002912122.3), dbSNP rs1340114162, ClinGen allele CA371108239.